The following is an entry in ClinVar:

NM_001009944.3(PKD1):c.9265A>G (p.Met3089Val)

Gene: PKD1 (polycystin 1, transient receptor potential channel interacting; minus strand). Cytogenetic location: 16p13.3.
Variant type: single nucleotide variant.
Coding change: c.9265A>G on transcript NM_001009944.3 (MANE Select); coding-DNA position 9265, A replaced by G.
Protein change: p.Met3089Val; replaces methionine 3089 with valine.
Molecular consequence: missense variant.
Genome position (GRCh38, 1-based): chr16:2,102,193, T>C on the plus strand (A>G on the coding strand, the complement: PKD1 is on the minus strand). VCF-style: chr16-2102193-T-C. GRCh37 (hg19) VCF-style: chr16-2152194-T-C.
Other names: c.9265A>G, p.Met3089Val (NM_000296.4); short protein forms M3089V.
Identifiers: ClinVar variation 3579106 (VCV003579106.2).

ClinVar aggregate classification (germline): Uncertain significance. Review status: criteria provided, multiple submitters, no conflicts (2 of 4 stars). 2 submissions from 2 submitters: Uncertain significance (2). Last evaluated 2025-06-23.

Conditions:
Polycystic kidney disease, adult type (PKD1). Also called: Polycystic Kidney Disease 1, Autosomal Dominant; Polycystic kidney disease 1; Polycystic kidney disease 1, severe; POLYCYSTIC KIDNEY DISEASE 1 WITH OR WITHOUT POLYCYSTIC LIVER DISEASE; POLYCYSTIC KIDNEY DISEASE, ADULT, TYPE I; Polycystic Kidney, Autosomal Dominant. Identifiers: MedGen C3149841, MONDO:0008263, OMIM 173900.

gnomAD v4.1: 20 of 1,507,740 alleles (0.0013%); highest among the groups gnomAD compares: East Asian, 0.009%; no homozygotes.

Submissions (2):

GeneDx
Classification: Uncertain significance. Last evaluated: 2025-06-23. Review status: criteria provided, single submitter. Criteria: GeneDx Variant Classification Process June 2021. Collection method: clinical testing. Allele origin: germline. Affected: yes.
Comment: In silico analysis suggests that this missense variant does not alter protein structure/function; Has not been previously published as pathogenic or benign to our knowledge

Fulgent Genetics
Classification: Uncertain significance for Polycystic kidney disease, adult type. Last evaluated: 2024-04-29. Review status: criteria provided, single submitter. Criteria: ACMG Guidelines, 2015. Collection method: clinical testing. Allele origin: germline.